The following is an entry in ClinVar:

ClinVar aggregate classification (germline): Pathogenic (1 of 4 stars; one submission).

Conditions:
Retinitis pigmentosa 3. Also called: CHOROIDORETINAL DEGENERATION WITH RETINAL REFLEX IN HETEROZYGOUS WOMEN. Identifiers: Orphanet 791, MedGen C1845667, MONDO:0010227, OMIM 300029.

Submission:

Broad Center for Mendelian Genomics, Broad Institute of MIT and Harvard
Classification: Pathogenic for Retinitis pigmentosa 3. Last evaluated: 2023-08-24. Review status: criteria provided, single submitter. Criteria: ACMG/ClinGen CNV Guidelines, 2019. Collection method: research. Allele origin: unknown. Inheritance: X-linked inheritance. Affected: yes.
Comment: These breakpoints have been estimated by exome sequencing only and therefore may not reflect the true breakpoints. Inheritance information is unavailable. The patient phenotype is nonspecific, but is consistent with cases described in the literature and/or published databases with overlapping variants. There is partial overlap with the 3’ and additional exons (NMD is expected to occur) of the RPGR gene. This alteration is then predicted to lead to a truncated or absent protein. Loss of function of PRGR is an established disease mechanism in retinitis pigmentosa. A deletion overlapping this exon has been identified in 0.01% (1/6906) of African/African American chromosomes by the Genome Aggregation Database (gnomAD; Structural variant: DEL_X_185724). Although a deletion overlapping the region of this CNV has been seen in the general population in a heterozygous state, its frequency is not high enough to rule out a pathogenic role. In summary, this variant meets criteria to be classified as pathogenic for X-linked retinitis pigmentosa. The ACMG/ClinGen evidence codes and points used in this curation are as follows: 1: 0 points, 2: 0.90 points, 3: 0 points, 4-5: 0.15 points; Total: 1.05 points; Riggs 2020 (PMID: 31690835).

Literature cited by the submitters: PubMed 34906470.

GRCh38/hg38 Xp11.4(chrX:38269073-38287133)x0

Gene: RPGR (retinitis pigmentosa GTPase regulator; minus strand). Cytogenetic location: Xp11.4.
Variant type: copy number loss.
Change: copy number 0 of chrX:38,269,073-38,287,133 (18.1 kb, GRCh38 coordinates, 1-based), cytogenetic band Xp11.4.
Identifiers: ClinVar variation 2579243 (VCV002579243.1).